The following is an entry in ClinVar:

ClinVar aggregate classification (germline): Pathogenic/Likely pathogenic. Review status: criteria provided, multiple submitters, no conflicts (2 of 4 stars). 3 submissions from 3 submitters: Pathogenic (2); Likely pathogenic (1). Last evaluated 2025-03-11.

Conditions:
Hereditary cancer-predisposing syndrome. Also called: Neoplastic Syndromes, Hereditary; Tumor predisposition; Hereditary Cancer Syndrome; Hereditary neoplastic syndrome. Identifiers: Orphanet 140162, MedGen C0027672, MeSH D009386, MONDO:0015356.
Ataxia-telangiectasia-like disorder (ATLD). Identifiers: MedGen C1858391, MONDO:0011457.
Ataxia-telangiectasia-like disorder 1 (ATLD1). Identifiers: Orphanet 251347, MedGen C4012790, MONDO:0024557, OMIM 604391.

Submissions (3):

Labcorp Genetics (formerly Invitae), Labcorp
Classification: Pathogenic for Ataxia-telangiectasia-like disorder. Last evaluated: 2025-03-11. Review status: criteria provided, single submitter. Criteria: Invitae Variant Classification Sherloc (09022015). Collection method: clinical testing. Allele origin: germline.
Comment: This sequence change creates a premature translational stop signal (p.Asn511Lysfs*3) in the MRE11 gene. It is expected to result in an absent or disrupted protein product. Loss-of-function variants in MRE11 are known to be pathogenic (PMID: 23080121, 23912341). This variant is present in population databases (rs757691558, gnomAD 0.01%). This variant has not been reported in the literature in individuals affected with MRE11-related conditions. ClinVar contains an entry for this variant (Variation ID: 1799665). For these reasons, this variant has been classified as Pathogenic.

Baylor Genetics
Classification: Likely pathogenic for Ataxia-telangiectasia-like disorder 1. Last evaluated: 2023-11-25. Review status: criteria provided, single submitter. Criteria: ACMG Guidelines, 2015. Collection method: clinical testing. Allele origin: unknown.

Ambry Genetics
Classification: Pathogenic for Hereditary cancer-predisposing syndrome. Last evaluated: 2017-11-21. Review status: criteria provided, single submitter. Criteria: Ambry Variant Classification Scheme 2023. Collection method: clinical testing. Allele origin: germline.
Comment: The c.1532dupA pathogenic mutation, located in coding exon 13 of the MRE11A gene, results from a duplication of A at nucleotide position 1532, causing a translational frameshift with a predicted alternate stop codon (p.N511Kfs*3). This alteration is expected to result in loss of function by premature protein truncation or nonsense-mediated mRNA decay. As such, this alteration is interpreted as a disease-causing mutation.

Literature cited by the submitters: PubMed 23080121 (cited by Labcorp Genetics (formerly Invitae), Labcorp); PubMed 23912341 (cited by Labcorp Genetics (formerly Invitae), Labcorp).

NM_005591.4(MRE11):c.1532dup (p.Asn511fs)

Gene: MRE11 (MRE11 double strand break repair nuclease; minus strand). Cytogenetic location: 11q21.
Variant type: Duplication.
Coding change: c.1532dup on transcript NM_005591.4 (MANE Select); coding-DNA position 1532, one base duplicated (A; older notation c.1532dupA).
Protein change: p.Asn511fs; shifts the reading frame from asparagine 511.
Molecular consequence: frameshift variant.
Genome position (GRCh38, 1-based): chr11:94,456,307, T duplicated on the plus strand (A on the coding strand, the reverse complement: MRE11 is on the minus strand); the first of 7 consecutive T bases (chr11:94,456,307-94,456,313); duplicating any one gives the same sequence. VCF-style (leftmost placement, unchanged base first): chr11-94456306-A-AT. GRCh37 (hg19) VCF-style: chr11-94189472-A-AT.
Other names: c.1532dup, p.Asn511fs (NM_001330347.2, NM_005590.4); c.1532dupA (NM_005591.3); short protein forms N511fs.
Identifiers: ClinVar variation 1799665 (VCV001799665.9), dbSNP rs757691558, ClinGen allele CA6235048.
Genomic context (GRCh38, chr11:94,456,306, plus strand): 5'-AAACACAAGAATTTGCAGCAGAATAATTACCTCACGGACTTCATCATCTTCTTCATTAGT[A>AT]TTTTTTTGTCTGGTTTCTCTGAAACGACGTACCTAGATCATAACAGAGTAAATCACAAAC-3'